The following is an entry in ClinVar:

NM_001042492.3(NF1):c.2118C>T (p.Ala706=)

Gene: NF1 (neurofibromin 1; plus strand). Cytogenetic location: 17q11.2.
Variant type: single nucleotide variant.
Coding change: c.2118C>T on transcript NM_001042492.3 (MANE Select); coding-DNA position 2118, C replaced by T.
Protein change: p.Ala706=; no amino-acid change (alanine 706 retained).
Molecular consequence: synonymous variant.
Genome position (GRCh38, 1-based): chr17:31,226,551, C>T. VCF-style: chr17-31226551-C-T. GRCh37 (hg19) VCF-style: chr17-29553569-C-T.
Other names: c.2118C>T, p.Ala706= (NM_000267.4).
Identifiers: ClinVar variation 527629 (VCV000527629.11), dbSNP rs1156646242, ClinGen allele CA499443781.

ClinVar aggregate classification (germline): Benign/Likely benign. Review status: criteria provided, multiple submitters, no conflicts (2 of 4 stars). 3 submissions from 3 submitters: Benign (1); Likely benign (2). Last evaluated 2026-09-29.

Conditions:
Neurofibromatosis, type 1 (NF1). Also called: NEUROFIBROMATOSIS, TYPE I, SOMATIC; Peripheral type neurofibromatosis; VON RECKLINGHAUSEN DISEASE; Neurofibromatosis, type I. Identifiers: Orphanet 636, MedGen C0027831, MONDO:0018975, OMIM 162200. Disease mechanism: loss of function.
Cardiovascular phenotype. Identifiers: MedGen CN230736.
Hereditary cancer-predisposing syndrome. Also called: Tumor predisposition; Neoplastic Syndromes, Hereditary; Hereditary Cancer Syndrome; Hereditary neoplastic syndrome. Identifiers: Orphanet 140162, MedGen C0027672, MeSH D009386, MONDO:0015356.

Allele frequency attached by ClinVar (database versions not stated): TOPMed below 0.00001; gnomAD exomes below 0.00001; gnomAD 0.00001.

Submissions (3):

Myriad Genetics, Inc.
Classification: Benign for Neurofibromatosis, type 1. Last evaluated: 2026-09-29. Review status: criteria provided, single submitter. Criteria: Myriad Autosomal Dominant, Autosomal Recessive and X-Linked Classification Criteria (2023). Collection method: clinical testing. Allele origin: unknown.
Comment: This variant is considered benign. This variant is a silent/synonymous amino acid change and it is not expected to impact splicing.

Labcorp Genetics (formerly Invitae), Labcorp
Classification: Likely benign for Neurofibromatosis, type 1. Last evaluated: 2025-11-25. Review status: criteria provided, single submitter. Criteria: Invitae Variant Classification Sherloc (09022015). Collection method: clinical testing. Allele origin: germline.

Ambry Genetics
Classification: Likely benign for Cardiovascular phenotype; Hereditary cancer-predisposing syndrome. Last evaluated: 2019-10-09. Review status: criteria provided, single submitter. Criteria: Ambry Variant Classification Scheme 2023. Collection method: clinical testing. Allele origin: germline.